The following is an entry in ClinVar:

ClinVar aggregate classification (germline): Uncertain significance (1 of 4 stars; one submission).

Allele frequency attached by ClinVar (database versions not stated): gnomAD exomes below 0.00001.
gnomAD v4.1: 2 of 1,612,488 alleles (0.00012%); highest among the groups gnomAD compares: Non-Finnish European, 0.00017%; no homozygotes.

Submission:

GeneDx
Classification: Uncertain significance. Last evaluated: 2023-01-12. Review status: criteria provided, single submitter. Criteria: GeneDx Variant Classification Process June 2021. Collection method: clinical testing. Allele origin: germline. Affected: yes.
Comment: Not observed at significant frequency in large population cohorts (gnomAD); In silico analysis supports that this missense variant has a deleterious effect on protein structure/function; Has not been previously published as pathogenic or benign to our knowledge

NM_031475.3(ESPN):c.2549A>T (p.Asp850Val)

Gene: ESPN (espin; plus strand). Cytogenetic location: 1p36.31.
Variant type: single nucleotide variant.
Coding change: c.2549A>T on transcript NM_031475.3 (MANE Select); coding-DNA position 2549, A replaced by T.
Protein change: p.Asp850Val; replaces aspartic acid 850 with valine.
Molecular consequence: missense variant.
Genome position (GRCh38, 1-based): chr1:6,460,130, A>T. VCF-style: chr1-6460130-A-T. GRCh37 (hg19) VCF-style: chr1-6520190-A-T.
Other names: c.2459A>T, p.Asp820Val (NM_001367473.1); c.2486A>T, p.Asp829Val (NM_001367474.1); short protein forms D820V, D829V, D850V.
Identifiers: ClinVar variation 2572823 (VCV002572823.1), dbSNP rs1455313296, ClinGen allele CA338104322.